The following is an entry in ClinVar:

ClinVar aggregate classification (germline): Likely benign. Review status: criteria provided, multiple submitters, no conflicts (2 of 4 stars). 2 submissions from 2 submitters: Likely benign (2). Last evaluated 2026-02-01.

Conditions:
Myoclonic dystonia 11 (DYT11). Also called: Dystonia, alcohol responsive; Hereditary essential myoclonus; Myoclonic dystonia; Dystonia 11; SGCE Myoclonus-Dystonia; Myoclonus-Dystonia. Identifiers: Orphanet 36899, MedGen C1834570, MONDO:0008044, OMIM 159900.

Allele frequency attached by ClinVar (database versions not stated): TOPMed 0.00003.
gnomAD v4.1: 111 of 1,613,994 alleles (0.0069%); highest among the groups gnomAD compares: Non-Finnish European, 0.0086%; no homozygotes.

Submissions (2):

CeGaT Center for Human Genetics Tuebingen
Classification: Likely benign. Last evaluated: 2026-02-01. Review status: criteria provided, single submitter. Criteria: CeGaT Center For Human Genetics Tuebingen Variant Classification Criteria Version 2. Collection method: clinical testing. Allele origin: germline. Affected: yes. Observed: 1 variant allele.
Comment: SGCE: BP4, BP7

Labcorp Genetics (formerly Invitae), Labcorp
Classification: Likely benign for Myoclonic dystonia 11. Last evaluated: 2025-12-16. Review status: criteria provided, single submitter. Criteria: Invitae Variant Classification Sherloc (09022015). Collection method: clinical testing. Allele origin: germline.

NM_003919.3(SGCE):c.606A>C (p.Thr202=)

Genes: CASD1 (CAS1 domain sialic acid O acetyltransferase 1; plus strand), SGCE (sarcoglycan epsilon; minus strand). Cytogenetic location: 7q21.3.
Variant type: single nucleotide variant.
Coding change: c.606A>C on transcript NM_003919.3 (MANE Select); coding-DNA position 606, A replaced by C.
Protein change: p.Thr202=; no amino-acid change (threonine 202 retained).
Molecular consequence: synonymous variant.
Genome position (GRCh38, 1-based): chr7:94,618,814, T>G on the plus strand (A>C on the coding strand, the complement: SGCE is on the minus strand). VCF-style: chr7-94618814-T-G. GRCh37 (hg19) VCF-style: chr7-94248126-T-G.
Other names: c.606A>C, p.Thr202= (NM_001099400.2, NM_001099401.2, NM_001346717.2); c.483A>C, p.Thr161= (NM_001301139.2, NM_001362809.2); c.714A>C, p.Thr238= (NM_001346713.2, NM_001346715.2); c.519A>C, p.Thr173= (NM_001346719.2, NM_001362807.2); c.333A>C, p.Thr111= (NM_001346720.2, NM_001362808.2).
Identifiers: ClinVar variation 696519 (VCV000696519.14), dbSNP rs148979783, ClinGen allele CA4348760.